The following is an entry in ClinVar:

NM_000152.5(GAA):c.840_841dup (p.Arg281fs)

Gene: GAA (alpha glucosidase; plus strand). Cytogenetic location: 17q25.3.
Variant type: Duplication.
Coding change: c.840_841dup on transcript NM_000152.5 (MANE Select); coding-DNA positions 840 to 841, 2 bases duplicated (CC; older notation c.840_841dupCC).
Protein change: p.Arg281fs; shifts the reading frame from arginine 281.
Molecular consequence: frameshift variant.
Genome position (GRCh38, 1-based): chr17:80,107,704-80,107,705, CC duplicated. VCF-style (leftmost placement, unchanged base first): chr17-80107703-A-ACC. GRCh37 (hg19) VCF-style: chr17-78081502-A-ACC.
Other names: c.840_841dup, p.Arg281fs (NM_001079803.3, NM_001079804.3, NM_001406741.1 and 1 more transcripts); short protein forms R281fs.
Identifiers: ClinVar variation 4876669 (VCV004876669.1).

ClinVar aggregate classification (germline): Likely pathogenic (1 of 4 stars; one submission).

Conditions:
Glycogen storage disease, type II (IOPD). Also called: Pompe Disease; CARDIOMEGALIA GLYCOGENICA DIFFUSA; GLYCOGENOSIS, GENERALIZED, CARDIAC FORM; GSD II; POMPE DISEASE, INFANTILE-ONSET; GLYCOGEN STORAGE DISEASE II, INFANTILE-ONSET. Identifiers: Orphanet 365, MedGen C0017921, MONDO:0009290, OMIM 232300.

Submission:

Genomenon, Inc
Classification: Likely pathogenic for Glycogen storage disease, type II. Last evaluated: 2026-07-01. Review status: criteria provided, single submitter. Criteria: Genomenon Sequence Variant Interpretation Standards - Updated. Collection method: curation. Allele origin: germline. Affected: no.
Comment: GAA p.Arg281ProfsTer34 (c.840_841dup) is a frameshift variant that is predicted to introduce a premature termination codon and result in a truncated or absent protein product. This variant has been reported in the published literature (PMID:39227307). It is absent or not present at a significant frequency in gnomAD. In conclusion, we classify GAA p.Arg281ProfsTer34 (c.840_841dup) as a likely pathogenic variant.

Literature cited by the submitters: PubMed 39227307.